The following is an entry in ClinVar:

NM_001127222.2(CACNA1A):c.5200G>A (p.Glu1734Lys)

Gene: CACNA1A (calcium voltage-gated channel subunit alpha1 A; minus strand). Cytogenetic location: 19p13.13.
Variant type: single nucleotide variant.
Coding change: c.5200G>A on transcript NM_001127222.2 (MANE Select); coding-DNA position 5200, G replaced by A.
Protein change: p.Glu1734Lys; replaces glutamic acid 1734 with lysine.
Molecular consequence: missense variant.
Genome position (GRCh38, 1-based): chr19:13,234,970, C>T on the plus strand (G>A on the coding strand, the complement: CACNA1A is on the minus strand). VCF-style: chr19-13234970-C-T. GRCh37 (hg19) VCF-style: chr19-13345784-C-T.
Other names: c.5218G>A, p.Glu1740Lys (NM_000068.4, NM_023035.3); c.5203G>A, p.Glu1735Lys (NM_001127221.2); c.5209G>A, p.Glu1737Lys (NM_001174080.2); short protein forms E1735K, E1740K, E1737K, E1734K.
Identifiers: ClinVar variation 422385 (VCV000422385.10), dbSNP rs1064795744, ClinGen allele CA16620779.
Genomic context (GRCh38, chr19:13,234,970, plus strand): 5'-CCCCTTCTCACCGGAAGAGAAGCATGAGGGCCTGGAAGAAGGTCCGGAAGTTATTGTGCT[C>T]AGTGATTTGGAACTCATCTTCATCACTGTCCTCGTCCTCCACGTCGATGCCAATGTTACC-3'
Protein context (NP_001120694.1, residues 1724-1744): DSDEDEFQIT[Glu1734Lys]HNNFRTFFQA

ClinVar aggregate classification (germline): Uncertain significance. Review status: criteria provided, multiple submitters, no conflicts (2 of 4 stars). 2 submissions from 2 submitters: Uncertain significance (2). Last evaluated 2025-07-02.

Conditions:
Episodic ataxia type 2 (EA2). Also called: ATAXIA, EPISODIC, WITH NYSTAGMUS; ATAXIA, FAMILIAL PAROXYSMAL; CEREBELLAR ATAXIA, PAROXYSMAL, ACETAZOLAMIDE-RESPONSIVE; CEREBELLOPATHY, HEREDITARY PAROXYSMAL; EPISODIC ATAXIA, NYSTAGMUS-ASSOCIATED; ACETAZOLAMIDE-RESPONSIVE HEREDITARY PAROXYSMAL CEREBELLAR ATAXIA. Identifiers: Orphanet 97, MedGen C1720416, MONDO:0007163, OMIM 108500.
Developmental and epileptic encephalopathy, 42 (DEE42A). Also called: Epileptic encephalopathy, early infantile, 42; DEVELOPMENTAL AND EPILEPTIC ENCEPHALOPATHY 42A; EPILEPTIC ENCEPHALOPATHY, EARLY INFANTILE, 42A. Identifiers: MedGen C4310716, MONDO:0014917, OMIM 617106.

Allele frequency attached by ClinVar (database versions not stated): gnomAD exomes 0.00001; TOPMed 0.00001.
gnomAD v4.1: 12 of 1,613,954 alleles (0.00074%); highest among the groups gnomAD compares: Non-Finnish European, 0.001%; no homozygotes.

Submissions (2):

Labcorp Genetics (formerly Invitae), Labcorp
Classification: Uncertain significance for Developmental and epileptic encephalopathy, 42; Episodic ataxia type 2. Last evaluated: 2025-07-02. Review status: criteria provided, single submitter. Criteria: Invitae Variant Classification Sherloc (09022015). Collection method: clinical testing. Allele origin: germline.
Comment: This sequence change replaces glutamic acid, which is acidic and polar, with lysine, which is basic and polar, at codon 1735 of the CACNA1A protein (p.Glu1735Lys). This variant is present in population databases (no rsID available, gnomAD 0.0009%). This variant has not been reported in the literature in individuals affected with CACNA1A-related conditions. ClinVar contains an entry for this variant (Variation ID: 422385). Invitae Evidence Modeling of protein sequence and biophysical properties (such as structural, functional, and spatial information, amino acid conservation, physicochemical variation, residue mobility, and thermodynamic stability) indicates that this missense variant is not expected to disrupt CACNA1A protein function with a negative predictive value of 95%. In summary, the available evidence is currently insufficient to determine the role of this variant in disease. Therefore, it has been classified as a Variant of Uncertain Significance.

GeneDx
Classification: Uncertain significance. Last evaluated: 2023-08-02. Review status: criteria provided, single submitter. Criteria: GeneDx Variant Classification Process June 2021. Collection method: clinical testing. Allele origin: germline. Affected: yes.
Comment: Not observed at significant frequency in large population cohorts (gnomAD); In silico analysis supports that this missense variant does not alter protein structure/function; Has not been previously published as pathogenic or benign to our knowledge